The following is an entry in ClinVar:

NM_018706.7(DHTKD1):c.2675G>T (p.Arg892Leu)

Gene: DHTKD1 (dehydrogenase E1 and transketolase domain containing 1; plus strand). Cytogenetic location: 10p14.
Variant type: single nucleotide variant.
Coding change: c.2675G>T on transcript NM_018706.7 (MANE Select); coding-DNA position 2675, G replaced by T.
Protein change: p.Arg892Leu; replaces arginine 892 with leucine.
Molecular consequence: missense variant.
Genome position (GRCh38, 1-based): chr10:12,120,803, G>T. VCF-style: chr10-12120803-G-T. GRCh37 (hg19) VCF-style: chr10-12162802-G-T.
Other names: c.2675G>T (NM_018706.5); short protein forms R892L.
Identifiers: ClinVar variation 1396655 (VCV001396655.10), dbSNP rs574614585, ClinGen allele CA5408370.

ClinVar aggregate classification (germline): Uncertain significance. Review status: criteria provided, multiple submitters, no conflicts (2 of 4 stars). 3 submissions from 3 submitters: Uncertain significance (3). Last evaluated 2025-03-12.

Conditions:
Inborn genetic diseases. Identifiers: MedGen C0950123, MeSH D030342.
2-aminoadipic 2-oxoadipic aciduria (AAKAD). Also called: Aminoadipic aciduria; ALPHA-AMINOADIPIC AND ALPHA-KETOADIPIC ACIDURIA. Identifiers: Orphanet 79154, MedGen C1859817, MONDO:0008774, OMIM 204750.

Allele frequency attached by ClinVar (database versions not stated): 1000 Genomes Project 0.00040; 1000 Genomes Project 30x 0.00047.
gnomAD v4.1: 45 of 1,614,038 alleles (0.0028%); highest among the groups gnomAD compares: Middle Eastern, 0.033%; no homozygotes.

Submissions (3):

Labcorp Genetics (formerly Invitae), Labcorp
Classification: Uncertain significance for 2-aminoadipic 2-oxoadipic aciduria. Last evaluated: 2025-03-12. Review status: criteria provided, single submitter. Criteria: Invitae Variant Classification Sherloc (09022015). Collection method: clinical testing. Allele origin: germline.
Comment: This sequence change replaces arginine, which is basic and polar, with leucine, which is neutral and non-polar, at codon 892 of the DHTKD1 protein (p.Arg892Leu). This variant is present in population databases (rs574614585, gnomAD 0.02%). This variant has not been reported in the literature in individuals affected with DHTKD1-related conditions. ClinVar contains an entry for this variant (Variation ID: 1396655). Invitae Evidence Modeling of protein sequence and biophysical properties (such as structural, functional, and spatial information, amino acid conservation, physicochemical variation, residue mobility, and thermodynamic stability) has been performed for this missense variant. However, the output from this modeling did not meet the statistical confidence thresholds required to predict the impact of this variant on DHTKD1 protein function. In summary, the available evidence is currently insufficient to determine the role of this variant in disease. Therefore, it has been classified as a Variant of Uncertain Significance.

Women's Health and Genetics/Laboratory Corporation of America, LabCorp
Classification: Uncertain significance. Last evaluated: 2024-12-02. Review status: criteria provided, single submitter. Criteria: LabCorp Variant Classification Summary - May 2015. Collection method: clinical testing. Allele origin: germline.
Comment: Variant summary: DHTKD1 c.2675G>T (p.Arg892Leu) results in a non-conservative amino acid change in the encoded protein sequence. Four of five in-silico tools predict a damaging effect of the variant on protein function. The variant allele was found at a frequency of 5.2e-05 in 251468 control chromosomes. This frequency is not significantly higher than estimated for a pathogenic variant in DHTKD1 causing 2-aminoadipic 2-oxoadipic aciduria (5.2e-05 vs 0.0011), allowing no conclusion about variant significance. To our knowledge, no occurrence of c.2675G>T in individuals affected with 2-aminoadipic 2-oxoadipic aciduria and no experimental evidence demonstrating its impact on protein function have been reported. ClinVar contains an entry for this variant (Variation ID: 1396655). Based on the evidence outlined above, the variant was classified as uncertain significance.

Ambry Genetics
Classification: Uncertain significance for Inborn genetic diseases. Last evaluated: 2024-04-15. Review status: criteria provided, single submitter. Criteria: Ambry Variant Classification Scheme 2023. Collection method: clinical testing. Allele origin: germline.